The following is an entry in ClinVar:

ClinVar aggregate classification (germline): Uncertain significance. Review status: criteria provided, multiple submitters, no conflicts (2 of 4 stars). 3 submissions from 3 submitters: Uncertain significance (3). Last evaluated 2025-04-09.

Conditions:
Torsion dystonia 6 (DYT6). Also called: DYT-THAP1. Identifiers: Orphanet 98806, MedGen C1414216, MONDO:0011264, OMIM 602629.

Allele frequency attached by ClinVar (database versions not stated): gnomAD 0.00001; TOPMed 0.00001.
gnomAD v4.1: 2 of 1,613,480 alleles (0.00012%); highest among the groups gnomAD compares: African/African-American, 0.0027%; no homozygotes.

Submissions (3):

GeneDx
Classification: Uncertain significance. Last evaluated: 2025-04-09. Review status: criteria provided, single submitter. Criteria: GeneDx Variant Classification Process June 2021. Collection method: clinical testing. Allele origin: germline.
Comment: Reported previously in a patient with generalized dystonia (PMID: 38214203); Not observed at significant frequency in large population cohorts (gnomAD); In silico analysis supports that this missense variant has a deleterious effect on protein structure/function; This variant is associated with the following publications: (PMID: 38214203)

Labcorp Genetics (formerly Invitae), Labcorp
Classification: Uncertain significance for Torsion dystonia 6. Last evaluated: 2022-07-29. Review status: criteria provided, single submitter. Criteria: Invitae Variant Classification Sherloc (09022015). Collection method: clinical testing. Allele origin: germline.
Comment: This sequence change replaces serine, which is neutral and polar, with alanine, which is neutral and non-polar, at codon 21 of the THAP1 protein (p.Ser21Ala). This variant is not present in population databases (gnomAD no frequency). This variant has not been reported in the literature in individuals affected with THAP1-related conditions. ClinVar contains an entry for this variant (Variation ID: 448687). Algorithms developed to predict the effect of missense changes on protein structure and function are either unavailable or do not agree on the potential impact of this missense change (SIFT: "Tolerated"; PolyPhen-2: "Possibly Damaging"; Align-GVGD: "Class C0"). This variant disrupts the p.Ser21 amino acid residue in THAP1. Other variant(s) that disrupt this residue have been observed in individuals with THAP1-related conditions (PMID: 19345147, 22377579, 24976531, 26610312), which suggests that this may be a clinically significant amino acid residue. In summary, the available evidence is currently insufficient to determine the role of this variant in disease. Therefore, it has been classified as a Variant of Uncertain Significance.

Athena Diagnostics
Classification: Uncertain significance. Last evaluated: 2017-03-21. Review status: criteria provided, single submitter. Criteria: Athena Diagnostics Criteria. Collection method: clinical testing. Allele origin: germline.

Literature cited by the submitters: PubMed 19345147 (cited by Labcorp Genetics (formerly Invitae), Labcorp); PubMed 22377579 (cited by Labcorp Genetics (formerly Invitae), Labcorp); PubMed 24976531 (cited by Labcorp Genetics (formerly Invitae), Labcorp); PubMed 26610312 (cited by Labcorp Genetics (formerly Invitae), Labcorp).

NM_018105.3(THAP1):c.61T>G (p.Ser21Ala)

Gene: THAP1 (THAP domain containing 1; minus strand). Cytogenetic location: 8p11.21.
Variant type: single nucleotide variant.
Coding change: c.61T>G on transcript NM_018105.3 (MANE Select); coding-DNA position 61, T replaced by G.
Protein change: p.Ser21Ala; replaces serine 21 with alanine.
Molecular consequence: missense variant.
Genome position (GRCh38, 1-based): chr8:42,843,034, A>C on the plus strand (T>G on the coding strand, the complement: THAP1 is on the minus strand). VCF-style: chr8-42843034-A-C. GRCh37 (hg19) VCF-style: chr8-42698177-A-C.
Other names: c.61T>G, p.Ser21Ala (NM_199003.2); short protein forms S21A.
Identifiers: ClinVar variation 448687 (VCV000448687.7), dbSNP rs1421233354, ClinGen allele CA371109439.